The following is an entry in ClinVar:

NM_000359.3(TGM1):c.1055C>T (p.Pro352Leu)

Gene: TGM1 (transglutaminase 1; minus strand). Cytogenetic location: 14q12.
Variant type: single nucleotide variant.
Coding change: c.1055C>T on transcript NM_000359.3 (MANE Select); coding-DNA position 1055, C replaced by T.
Protein change: p.Pro352Leu; replaces proline 352 with leucine.
Molecular consequence: missense variant.
Genome position (GRCh38, 1-based): chr14:24,259,179, G>A on the plus strand (C>T on the coding strand, the complement: TGM1 is on the minus strand). VCF-style: chr14-24259179-G-A. GRCh37 (hg19) VCF-style: chr14-24728385-G-A.
Other names: short protein forms P352L.
Identifiers: ClinVar variation 427175 (VCV000427175.5), dbSNP rs1085308001, ClinGen allele CA389264875.

ClinVar aggregate classification (germline): Likely pathogenic. Review status: criteria provided, multiple submitters, no conflicts (2 of 4 stars). 2 submissions from 2 submitters: Likely pathogenic (2). Last evaluated 2024-01-04.

Submissions (2):

Labcorp Genetics (formerly Invitae), Labcorp
Classification: Likely pathogenic. Last evaluated: 2024-01-04. Review status: criteria provided, single submitter. Criteria: Invitae Variant Classification Sherloc (09022015). Collection method: clinical testing. Allele origin: germline.
Comment: This sequence change replaces proline, which is neutral and non-polar, with leucine, which is neutral and non-polar, at codon 352 of the TGM1 protein (p.Pro352Leu). This variant is not present in population databases (gnomAD no frequency). This variant has not been reported in the literature in individuals affected with TGM1-related conditions. ClinVar contains an entry for this variant (Variation ID: 427175). Advanced modeling of protein sequence and biophysical properties (such as structural, functional, and spatial information, amino acid conservation, physicochemical variation, residue mobility, and thermodynamic stability) performed at Invitae indicates that this missense variant is expected to disrupt TGM1 protein function with a positive predictive value of 95%. This variant disrupts the p.Pro352 amino acid residue in TGM1. Other variant(s) that disrupt this residue have been determined to be pathogenic (PMID: 32436339). This suggests that this residue is clinically significant, and that variants that disrupt this residue are likely to be disease-causing. In summary, the currently available evidence indicates that the variant is pathogenic, but additional data are needed to prove that conclusively. Therefore, this variant has been classified as Likely Pathogenic.

GeneDx
Classification: Likely pathogenic. Last evaluated: 2015-04-29. Review status: criteria provided, single submitter. Criteria: GeneDx Variant Classification (06012015). Collection method: clinical testing. Allele origin: germline. Affected: yes.
Comment: The P352L variant in the TGM1 gene has not been published as a pathogenic variant, nor has it been reported as a benign polymorphism to our knowledge. It was not observed in approximately 6,500 individuals of European and African American ancestry in the NHLBI Exome Sequencing Project, indicating it is not a common benign variant in these populations. The P352L variant is a semi-conservative amino acid substitution, which may impact secondary protein structure as these residues differ in some properties. This substitution occurs at a position that is conserved across species, and in silico analysis predicts this variant is probably damaging to the protein structure/function. In addition, missense variants in nearby residues (W342R, S358R, V359M) have been reported in the Human Gene Mutation Database in association with autosomal recessive congenital ichthyosis (ARCI) (Stenson et al., 2014), supporting the functional importance of this region of the protein. Therefore, we consider the P352L variant to be a strong candidate for a disease-causing variant

Literature cited by the submitters: PubMed 32436339 (cited by Labcorp Genetics (formerly Invitae), Labcorp).